The following is an entry in ClinVar:

NM_198576.4(AGRN):c.2566C>G (p.Arg856Gly)

Gene: AGRN (agrin; plus strand). Cytogenetic location: 1p36.33.
Variant type: single nucleotide variant.
Coding change: c.2566C>G on transcript NM_198576.4 (MANE Select); coding-DNA position 2566, C replaced by G.
Protein change: p.Arg856Gly; replaces arginine 856 with glycine.
Molecular consequence: missense variant.
Genome position (GRCh38, 1-based): chr1:1,045,762, C>G. VCF-style: chr1-1045762-C-G. GRCh37 (hg19) VCF-style: chr1-981142-C-G.
Other names: c.2566C>G, p.Arg856Gly (NM_001305275.2); c.2251C>G, p.Arg751Gly (NM_001364727.2); short protein forms R751G, R856G.
Identifiers: ClinVar variation 1005240 (VCV001005240.8), dbSNP rs770329947, ClinGen allele CA337841141.

ClinVar aggregate classification (germline): Uncertain significance (1 of 4 stars; one submission).

Conditions:
Congenital myasthenic syndrome 8. Also called: Myasthenic syndrome, congenital, 8, with pre- and postsynaptic defects; MYASTHENIC SYNDROME, CONGENITAL, DUE TO AGRIN DEFICIENCY. Identifiers: Orphanet 590, MedGen C3808739, MONDO:0014052, OMIM 615120.

gnomAD v4.1: 19 of 1,613,390 alleles (0.0012%); highest among the groups gnomAD compares: Non-Finnish European, 0.0016%; no homozygotes.

Submission:

Labcorp Genetics (formerly Invitae), Labcorp
Classification: Uncertain significance for Congenital myasthenic syndrome 8. Last evaluated: 2022-03-18. Review status: criteria provided, single submitter. Criteria: Invitae Variant Classification Sherloc (09022015). Collection method: clinical testing. Allele origin: germline.
Comment: This sequence change replaces arginine, which is basic and polar, with glycine, which is neutral and non-polar, at codon 856 of the AGRN protein (p.Arg856Gly). In summary, the available evidence is currently insufficient to determine the role of this variant in disease. Therefore, it has been classified as a Variant of Uncertain Significance. Algorithms developed to predict the effect of missense changes on protein structure and function are either unavailable or do not agree on the potential impact of this missense change (SIFT: "Deleterious"; PolyPhen-2: "Possibly Damaging"; Align-GVGD: "Class C0"). ClinVar contains an entry for this variant (Variation ID: 1005240). This variant has not been reported in the literature in individuals affected with AGRN-related conditions. This variant is not present in population databases (gnomAD no frequency).